The following is an entry in ClinVar:

NM_175875.5(SIX5):c.43G>A (p.Gly15Arg)

Genes: DM1-AS (DM1 locus antisense RNA; plus strand), SIX5 (SIX homeobox 5; minus strand), LOC107075317 (origin of replication in DMPK trinucleotide repeat region; plus strand). Cytogenetic location: 19q13.32.
Variant type: single nucleotide variant.
Coding change: c.43G>A on transcript NM_175875.5 (MANE Select); coding-DNA position 43, G replaced by A.
Protein change: p.Gly15Arg; replaces glycine 15 with arginine.
Molecular consequence: missense variant.
Genome position (GRCh38, 1-based): chr19:45,768,802, C>T on the plus strand (G>A on the coding strand, the complement: SIX5 is on the minus strand). VCF-style: chr19-45768802-C-T. GRCh37 (hg19) VCF-style: chr19-46272060-C-T.
Other names: c.43G>A (NM_175875.4); short protein forms G15R.
Identifiers: ClinVar variation 3584036 (VCV003584036.2).

ClinVar aggregate classification (germline): Uncertain significance. Review status: criteria provided, multiple submitters, no conflicts (2 of 4 stars). 2 submissions from 2 submitters: Uncertain significance (2). Last evaluated 2024-11-21.

Conditions:
SIX5-related disorder. Also called: SIX5-related condition.
Branchiootorenal syndrome 2 (BOR2). Identifiers: Orphanet 107, MedGen C1970479, MONDO:0012575, OMIM 610896.

gnomAD v4.1: 12 of 1,529,696 alleles (0.00078%); highest among the groups gnomAD compares: Admixed American, 0.0059%; no homozygotes.

Submissions (2):

PreventionGenetics, part of Exact Sciences
Classification: Uncertain significance for SIX5-related condition. Last evaluated: 2024-11-21. Review status: criteria provided, single submitter. Criteria: ACMG Guidelines, 2015. Collection method: clinical testing. Allele origin: germline.
Comment: The SIX5 c.43G>A variant is predicted to result in the amino acid substitution p.Gly15Arg. To our knowledge, this variant has not been reported in the literature. This variant is reported in 0.0099% of alleles in individuals of East Asian descent in gnomAD. At this time, the clinical significance of this variant is uncertain due to the absence of conclusive functional and genetic evidence.

Fulgent Genetics
Classification: Uncertain significance for Branchiootorenal syndrome 2. Last evaluated: 2024-05-20. Review status: criteria provided, single submitter. Criteria: ACMG Guidelines, 2015. Collection method: clinical testing. Allele origin: germline.